The following is an entry in ClinVar:

NM_000744.7(CHRNA4):c.14G>A (p.Gly5Asp)

Genes: CHRNA4 (cholinergic receptor nicotinic alpha 4 subunit; minus strand), LOC100130587 (uncharacterized LOC100130587; plus strand). Cytogenetic location: 20q13.33.
Variant type: single nucleotide variant.
Coding change: c.14G>A on transcript NM_000744.7 (MANE Select); coding-DNA position 14, G replaced by A.
Protein change: p.Gly5Asp; replaces glycine 5 with aspartic acid.
Molecular consequence: missense variant. On other transcripts: non-coding transcript variant (1), intron variant (1).
Genome position (GRCh38, 1-based): chr20:63,361,152, C>T on the plus strand (G>A on the coding strand, the complement: CHRNA4 is on the minus strand). VCF-style: chr20-63361152-C-T. GRCh37 (hg19) VCF-style: chr20-61992504-C-T.
Other names: c.-471+25G>A (NM_001256573.2); short protein forms G5D.
Identifiers: ClinVar variation 4752061 (VCV004752061.1).

ClinVar aggregate classification (germline): Uncertain significance (1 of 4 stars; one submission).

Conditions:
Familial sleep-related hypermotor epilepsy. Also called: Autosomal Dominant Sleep-Related Hypermotor (Hyperkinetic) Epilepsy. Identifiers: Orphanet 98784, MedGen C3696898, MONDO:0000030.

Submission:

Labcorp Genetics (formerly Invitae), Labcorp
Classification: Uncertain significance. Last evaluated: 2025-04-08. Review status: criteria provided, single submitter. Criteria: Invitae Variant Classification Sherloc (09022015). Collection method: clinical testing. Allele origin: germline.
Comment: This sequence change replaces glycine, which is neutral and non-polar, with aspartic acid, which is acidic and polar, at codon 5 of the CHRNA4 protein (p.Gly5Asp). This variant is not present in population databases (gnomAD no frequency). This variant has not been reported in the literature in individuals affected with CHRNA4-related conditions. Experimental studies and prediction algorithms are not available or were not evaluated, and the functional significance of this variant is currently unknown. In summary, the available evidence is currently insufficient to determine the role of this variant in disease. Therefore, it has been classified as a Variant of Uncertain Significance.